The following is an entry in ClinVar:

ClinVar aggregate classification (germline): Uncertain significance (1 of 4 stars; one submission).

Conditions:
Autosomal dominant hypocalcemia 1 (HYPOC1). Also called: HYPOCALCEMIA, FAMILIAL. Identifiers: MedGen C3715128, MONDO:0011013, OMIM 601198.
Familial hypocalciuric hypercalcemia (FHH). Also called: Familial benign hypercalcemia. Identifiers: Orphanet 405, MedGen C1809471, MONDO:0018458.

Submission:

Labcorp Genetics (formerly Invitae), Labcorp
Classification: Uncertain significance for Familial hypocalciuric hypercalcemia; Autosomal dominant hypocalcemia 1. Last evaluated: 2019-09-20. Review status: criteria provided, single submitter. Criteria: Invitae Variant Classification Sherloc (09022015). Collection method: clinical testing. Allele origin: germline.
Comment: Algorithms developed to predict the effect of missense changes on protein structure and function (SIFT, PolyPhen-2, Align-GVGD) all suggest that this variant is likely to be disruptive, but these predictions have not been confirmed by published functional studies and their clinical significance is uncertain. This variant has not been reported in the literature in individuals with CASR-related conditions. This variant is not present in population databases (ExAC no frequency). This sequence change replaces asparagine with histidine at codon 468 of the CASR protein (p.Asn468His). The asparagine residue is highly conserved and there is a small physicochemical difference between asparagine and histidine. In summary, the available evidence is currently insufficient to determine the role of this variant in disease. Therefore, it has been classified as a Variant of Uncertain Significance.

NM_000388.4(CASR):c.1402A>C (p.Asn468His)

Gene: CASR (calcium sensing receptor; plus strand). Cytogenetic location: 3q21.1.
Variant type: single nucleotide variant.
Coding change: c.1402A>C on transcript NM_000388.4 (MANE Select); coding-DNA position 1402, A replaced by C.
Protein change: p.Asn468His; replaces asparagine 468 with histidine.
Molecular consequence: missense variant.
Genome position (GRCh38, 1-based): chr3:122,275,836, A>C. VCF-style: chr3-122275836-A-C. GRCh37 (hg19) VCF-style: chr3-121994683-A-C.
Other names: c.1402A>C, p.Asn468His (NM_001178065.2); short protein forms N468H.
Identifiers: ClinVar variation 934977 (VCV000934977.10), dbSNP rs2074810921, ClinGen allele CA354154856.